The following is an entry in ClinVar:

NM_052844.4(DYNC2I2):c.319A>G (p.Arg107Gly)

Gene: DYNC2I2 (dynein 2 intermediate chain 2; minus strand). Cytogenetic location: 9q34.11.
Variant type: single nucleotide variant.
Coding change: c.319A>G on transcript NM_052844.4 (MANE Select); coding-DNA position 319, A replaced by G.
Protein change: p.Arg107Gly; replaces arginine 107 with glycine.
Molecular consequence: missense variant.
Genome position (GRCh38, 1-based): chr9:128,640,807, T>C on the plus strand (A>G on the coding strand, the complement: DYNC2I2 is on the minus strand). VCF-style: chr9-128640807-T-C. GRCh37 (hg19) VCF-style: chr9-131403086-T-C.
Other names: short protein forms R107G.
Identifiers: ClinVar variation 1681256 (VCV001681256.6), dbSNP rs759672549, ClinGen allele CA375127289.

ClinVar aggregate classification (germline): Uncertain significance (1 of 4 stars; one submission).

Conditions:
Short-rib thoracic dysplasia 11 with or without polydactyly (SRTD11). Also called: SHORT-RIB THORACIC DYSPLASIA 11 WITHOUT POLYDACTYLY. Identifiers: Orphanet 474, Orphanet 93271, MedGen C3810200, MONDO:0014287, OMIM 615633.

gnomAD v4.1: 1 of 1,614,144 alleles (0.000062%); highest among the groups gnomAD compares: Admixed American, 0.0017%; no homozygotes.

Submission:

Labcorp Genetics (formerly Invitae), Labcorp
Classification: Uncertain significance for Short-rib thoracic dysplasia 11 with or without polydactyly. Last evaluated: 2022-07-26. Review status: criteria provided, single submitter. Criteria: Invitae Variant Classification Sherloc (09022015). Collection method: clinical testing. Allele origin: germline.
Comment: In summary, the available evidence is currently insufficient to determine the role of this variant in disease. Therefore, it has been classified as a Variant of Uncertain Significance. Algorithms developed to predict the effect of missense changes on protein structure and function output the following: SIFT: "Tolerated"; PolyPhen-2: "Benign"; Align-GVGD: "Class C0". The glycine amino acid residue is found in multiple mammalian species, which suggests that this missense change does not adversely affect protein function. ClinVar contains an entry for this variant (Variation ID: 1681256). This variant has not been reported in the literature in individuals affected with WDR34-related conditions. This variant is present in population databases (no rsID available, gnomAD 0.003%). This sequence change replaces arginine, which is basic and polar, with glycine, which is neutral and non-polar, at codon 107 of the WDR34 protein (p.Arg107Gly).